The following is an entry in ClinVar:

ClinVar aggregate classification (germline): Uncertain significance (1 of 4 stars; one submission).

Allele frequency attached by ClinVar (database versions not stated): gnomAD exomes 0.00001; ExAC 0.00002; gnomAD 0.00005.
gnomAD v4.1: 21 of 1,613,954 alleles (0.0013%); highest among the groups gnomAD compares: African/African-American, 0.023%; no homozygotes.

Submission:

Labcorp Genetics (formerly Invitae), Labcorp
Classification: Uncertain significance. Last evaluated: 2024-02-17. Review status: criteria provided, single submitter. Criteria: Invitae Variant Classification Sherloc (09022015). Collection method: clinical testing. Allele origin: germline.
Comment: This sequence change replaces lysine, which is basic and polar, with glutamic acid, which is acidic and polar, at codon 268 of the PNPLA8 protein (p.Lys268Glu). This variant is present in population databases (rs752576177, gnomAD 0.03%). This variant has not been reported in the literature in individuals affected with PNPLA8-related conditions. ClinVar contains an entry for this variant (Variation ID: 2178797). Algorithms developed to predict the effect of missense changes on protein structure and function output the following: SIFT: "Not Available"; PolyPhen-2: "Benign"; Align-GVGD: "Not Available". The glutamic acid amino acid residue is found in multiple mammalian species, which suggests that this missense change does not adversely affect protein function. In summary, the available evidence is currently insufficient to determine the role of this variant in disease. Therefore, it has been classified as a Variant of Uncertain Significance.

NM_001256007.3(PNPLA8):c.802A>G (p.Lys268Glu)

Gene: PNPLA8 (patatin like domain 8, phospholipase A2; minus strand). Cytogenetic location: 7q31.1.
Variant type: single nucleotide variant.
Coding change: c.802A>G on transcript NM_001256007.3 (MANE Select); coding-DNA position 802, A replaced by G.
Protein change: p.Lys268Glu; replaces lysine 268 with glutamic acid.
Molecular consequence: missense variant.
Genome position (GRCh38, 1-based): chr7:108,514,690, T>C on the plus strand (A>G on the coding strand, the complement: PNPLA8 is on the minus strand). VCF-style: chr7-108514690-T-C. GRCh37 (hg19) VCF-style: chr7-108155134-T-C.
Other names: c.802A>G, p.Lys268Glu (NM_001256008.3, NM_001256009.3, NM_015723.5); c.502A>G, p.Lys168Glu (NM_001256010.3, NM_001256011.3); short protein forms K168E, K268E.
Identifiers: ClinVar variation 2178797 (VCV002178797.2), dbSNP rs752576177, ClinGen allele CA4439756.